The following is an entry in ClinVar:

ClinVar aggregate classification (germline): Likely pathogenic (1 of 4 stars; one submission).

Conditions:
Coffin-Siris syndrome 8. Identifiers: MedGen C5193054, MONDO:0032702, OMIM 618362.

Submission:

Women's Health and Genetics/Laboratory Corporation of America, LabCorp
Classification: Likely pathogenic for Coffin-Siris syndrome 8. Last evaluated: 2023-01-11. Review status: criteria provided, single submitter. Criteria: LabCorp Variant Classification Summary - May 2015. Collection method: clinical testing. Allele origin: germline.
Comment: Variant summary: SMARCC2 c.1497-2A>G is located in a canonical splice-site and is predicted to affect mRNA splicing resulting in a significantly altered protein due to either exon skipping, shortening, or inclusion of intronic material. Several computational tools predict a significant impact on normal splicing: Four predict the variant abolishes a 3' acceptor site. However, these predictions have yet to be confirmed by functional studies. The variant was absent in 248754 control chromosomes (gnomAD). To our knowledge, no occurrence of c.1497-2A>G in individuals affected with Coffin-Siris Syndrome 8 and no experimental evidence demonstrating its impact on protein function have been reported. No clinical diagnostic laboratories have submitted clinical-significance assessments for this variant to ClinVar after 2014. Based on the evidence outlined above, the variant was classified as likely pathogenic.

NM_001330288.2(SMARCC2):c.1497-2A>G

Gene: SMARCC2 (SWI/SNF related BAF chromatin remodeling complex subunit C2; minus strand). Cytogenetic location: 12q13.2.
Variant type: single nucleotide variant.
Coding change: c.1497-2A>G on transcript NM_001330288.2 (MANE Select); the canonical splice acceptor site of the intron before coding-DNA position 1497, A replaced by G.
Molecular consequence: splice acceptor variant.
Genome position (GRCh38, 1-based): chr12:56,173,851, T>C on the plus strand (A>G on the coding strand, the complement: SMARCC2 is on the minus strand). VCF-style: chr12-56173851-T-C. GRCh37 (hg19) VCF-style: chr12-56567635-T-C.
Other names: c.1497-2A>G (NM_003075.5, NM_139067.4, NM_001130420.3).
Identifiers: ClinVar variation 2429193 (VCV002429193.4), dbSNP rs2540896084, ClinGen allele CA385347033.